The following is an entry in ClinVar:

ClinVar aggregate classification (germline): Uncertain significance (1 of 4 stars; one submission).

Conditions:
Mitochondrial complex II deficiency, nuclear type 1. Also called: SUCCINATE CoQ REDUCTASE DEFICIENCY. Identifiers: Orphanet 3208, MedGen C5700310, MONDO:0100294, OMIM 252011.
Pheochromocytoma/paraganglioma syndrome 5. Also called: Paragangliomas 5; SDHA-Related Hereditary Paraganglioma-Pheochromocytoma Syndrome. Identifiers: Orphanet 29072, MedGen C3279992, MONDO:0013602, OMIM 614165.

Submission:

Labcorp Genetics (formerly Invitae), Labcorp
Classification: Uncertain significance for Pheochromocytoma/paraganglioma syndrome 5; Mitochondrial complex II deficiency, nuclear type 1. Last evaluated: 2020-06-17. Review status: criteria provided, single submitter. Criteria: Invitae Variant Classification Sherloc (09022015). Collection method: clinical testing. Allele origin: germline.
Comment: This sequence change affects a donor splice site in the last intron (intron 14) of the SDHA gene. While this is not anticipated to result in nonsense mediated decay, it likely alters RNA splicing and results in a disrupted protein product. This variant is not present in population databases (ExAC no frequency). This variant has not been reported in the literature in individuals with SDHA-related conditions. Nucleotide substitutions within the consensus splice site are a relatively common cause of aberrant splicing (PMID: 17576681, 9536098). Algorithms developed to predict the effect of sequence changes on RNA splicing suggest that this variant may disrupt the consensus splice site, but this prediction has not been confirmed by published transcriptional studies. In summary, the available evidence is currently insufficient to determine the role of this variant in disease. Therefore, it has been classified as a Variant of Uncertain Significance.

Literature cited by the submitters: PubMed 17576681; PubMed 9536098.

NM_004168.4(SDHA):c.1908+2T>C

Gene: SDHA (succinate dehydrogenase complex flavoprotein subunit A; plus strand). Cytogenetic location: 5p15.33.
Variant type: single nucleotide variant.
Coding change: c.1908+2T>C on transcript NM_004168.4 (MANE Select); the canonical splice donor site of the intron after coding-DNA position 1908, T replaced by C.
Molecular consequence: splice donor variant.
Genome position (GRCh38, 1-based): chr5:254,508, T>C. VCF-style: chr5-254508-T-C. GRCh37 (hg19) VCF-style: chr5-254623-T-C.
Other names: c.1665+2T>C (NM_001330758.2); c.1764+2T>C (NM_001294332.2).
Identifiers: ClinVar variation 1009004 (VCV001009004.7), dbSNP rs1737056056, ClinGen allele CA359002337.